The following is an entry in ClinVar:

ClinVar aggregate classification (germline): Pathogenic. Review status: criteria provided, multiple submitters, no conflicts (2 of 4 stars). 2 submissions from 2 submitters: Pathogenic (2). Last evaluated 2026-04-07.

Conditions:
Osteogenesis imperfecta type 7 (OI7). Also called: Osteogenesis imperfecta type 2B; OI type 2B; Osteogenesis imperfecta, perinatal lethal autosomal recessive; OI type IIB; OSTEOGENESIS IMPERFECTA, TYPE IIB; OI type 7. Identifiers: MedGen C1853162, MONDO:0012536, OMIM 610682.
CRTAP-related disorder. Also called: CRTAP-related condition.

Submissions (2):

PreventionGenetics, part of Exact Sciences
Classification: Pathogenic for CRTAP-related condition. Last evaluated: 2026-04-07. Review status: criteria provided, single submitter. Criteria: ACMG Guidelines, 2015. Collection method: clinical testing. Allele origin: germline.
Comment: The CRTAP c.18_25del8 variant is predicted to result in a frameshift and premature protein termination (p.Ala10Serfs*148). This variant has been reported in the homozygous state in an individual with developmental delay, macrocephaly, weakness, hypotonia, skeletal anomalies, and distinctive facial features (Table S1, Khalaf et al. 2024. PubMed ID: 38438125). This variant has not been reported in a large population database, indicating this variant is rare. Frameshift variants in CRTAP are expected to be pathogenic and have been documented near this variant (Baldridge et al. 2008. PubMed ID: 18566967; Li et al. 2020. PubMed ID: 33093841). This variant is interpreted as pathogenic.

Labcorp Genetics (formerly Invitae), Labcorp
Classification: Pathogenic for Osteogenesis imperfecta type 7. Last evaluated: 2023-11-21. Review status: criteria provided, single submitter. Criteria: Invitae Variant Classification Sherloc (09022015). Collection method: clinical testing. Allele origin: germline.
Comment: This sequence change creates a premature translational stop signal (p.Ala10Serfs*148) in the CRTAP gene. It is expected to result in an absent or disrupted protein product. Loss-of-function variants in CRTAP are known to be pathogenic (PMID: 17055431, 19862557, 24715559). This variant is not present in population databases (gnomAD no frequency). This premature translational stop signal has been observed in individual(s) with clinical features of CRTAP-related conditions (PMID: 18566967, 34627339). For these reasons, this variant has been classified as Pathogenic.

Literature cited by the submitters: PubMed 17055431 (cited by Labcorp Genetics (formerly Invitae), Labcorp); PubMed 19862557 (cited by Labcorp Genetics (formerly Invitae), Labcorp); PubMed 24715559 (cited by Labcorp Genetics (formerly Invitae), Labcorp); PubMed 18566967 (cited by Labcorp Genetics (formerly Invitae), Labcorp); PubMed 34627339 (cited by Labcorp Genetics (formerly Invitae), Labcorp).

NM_006371.5(CRTAP):c.18_25del (p.Ala10fs)

Genes: CRTAP (cartilage associated protein; plus strand), LOC129936436 (ATAC-STARR-seq lymphoblastoid silent region 14183; plus strand). Cytogenetic location: 3p22.3.
Variant type: Deletion.
Coding change: c.18_25del on transcript NM_006371.5 (MANE Select); coding-DNA positions 18 to 25, 8 bases deleted (GGGGGCCG; older notation c.18_25delGGGGGCCG).
Protein change: p.Ala10fs; shifts the reading frame from alanine 10.
Molecular consequence: frameshift variant.
Genome position (GRCh38, 1-based): chr3:33,114,095-33,114,102, GGGGGCCG deleted; deleting any 8 consecutive bases within chr3:33,114,091-33,114,102 gives the same sequence; the c. name uses the placement nearest the transcript's 3' end. VCF-style (leftmost placement, unchanged base first): chr3-33114090-CGCCGGGGG-C. GRCh37 (hg19) VCF-style: chr3-33155582-CGCCGGGGG-C.
Other names: c.18_25del, p.Ala10fs (NM_001393363.1, NM_001393364.1, NM_001393365.1); c.18_25del8 (NM_006371.4); short protein forms A10fs.
Identifiers: ClinVar variation 2633856 (VCV002633856.6), dbSNP rs1701306659, ClinGen allele CA2577540199.